The following is an entry in ClinVar:

ClinVar aggregate classification (germline): Uncertain significance. Review status: criteria provided, multiple submitters, no conflicts (2 of 4 stars). 4 submissions from 4 submitters: Uncertain significance (4). Last evaluated 2026-01-01.

Conditions:
Cowden syndrome 6 (CWS6). Identifiers: Orphanet 201, MedGen C3554519, MONDO:0014048, OMIM 615109.
Inborn genetic diseases. Identifiers: MedGen C0950123, MeSH D030342.

Allele frequency attached by ClinVar (database versions not stated): gnomAD exomes 0.00001 and 0.00003; ExAC 0.00002; TOPMed 0.00002; gnomAD 0.00003.
gnomAD v4.1: 45 of 1,613,494 alleles (0.0028%); highest among the groups gnomAD compares: Non-Finnish European, 0.0038%; no homozygotes.

Submissions (4):

Clinical Genomics Laboratory, Washington University in St. Louis
Classification: Uncertain significance for Cowden syndrome 6. Last evaluated: 2026-01-01. Review status: criteria provided, single submitter. Criteria: ACMG Guidelines, 2015. Collection method: clinical testing. Allele origin: germline.
Comment: An AKT1 c.1198A>G (p.Lys400Glu) variant was identified at a near heterozygous allelic fraction of 48.5%, a frequency which may be consistent with it being of germline origin. This variant, to our knowledge, has not been reported in the medical literature but has been reported in the ClinVar database as a variant of uncertain significance by three submitters (ClinVar Variation ID: 664530). It is observed in 45/1,613,494 alleles in the general population (gnomAD v4.1.0). Computational predictors are uncertain as to the impact of this variant on AKT1 function. Due to limited information, and based on ACMG/AMP guidelines for variant interpretation (Richards S et al., PMID: 25741868), the clinical significance of this variant is uncertain at this time.

Ambry Genetics
Classification: Uncertain significance for Inborn genetic diseases. Last evaluated: 2025-06-30. Review status: criteria provided, single submitter. Criteria: Ambry Variant Classification Scheme 2023. Collection method: clinical testing. Allele origin: germline.

Institute for Clinical Genetics, University Hospital TU Dresden, University Hospital TU Dresden
Classification: Uncertain significance. Last evaluated: 2021-11-03. Review status: criteria provided, single submitter. Criteria: ACMG Guidelines, 2015. Collection method: clinical testing. Allele origin: germline.

Labcorp Genetics (formerly Invitae), Labcorp
Classification: Uncertain significance for Cowden syndrome 6. Last evaluated: 2020-06-13. Review status: criteria provided, single submitter. Criteria: Invitae Variant Classification Sherloc (09022015). Collection method: clinical testing. Allele origin: germline.
Comment: In summary, the available evidence is currently insufficient to determine the role of this variant in disease. Therefore, it has been classified as a Variant of Uncertain Significance. Algorithms developed to predict the effect of missense changes on protein structure and function are either unavailable or do not agree on the potential impact of this missense change (SIFT: "Deleterious"; PolyPhen-2: "Possibly Damaging"; Align-GVGD: "Class C0"). This variant has not been reported in the literature in individuals with AKT1-related disease. This variant is present in population databases (rs773607483, ExAC 0.003%). This sequence change replaces lysine with glutamic acid at codon 400 of the AKT1 protein (p.Lys400Glu). The lysine residue is moderately conserved and there is a small physicochemical difference between lysine and glutamic acid.

NM_001382430.1(AKT1):c.1198A>G (p.Lys400Glu)

Gene: AKT1 (AKT serine/threonine kinase 1; minus strand). Cytogenetic location: 14q32.33.
Variant type: single nucleotide variant.
Coding change: c.1198A>G on transcript NM_001382430.1 (MANE Select); coding-DNA position 1198, A replaced by G.
Protein change: p.Lys400Glu; replaces lysine 400 with glutamic acid.
Molecular consequence: missense variant.
Genome position (GRCh38, 1-based): chr14:104,772,427, T>C on the plus strand (A>G on the coding strand, the complement: AKT1 is on the minus strand). VCF-style: chr14-104772427-T-C. GRCh37 (hg19) VCF-style: chr14-105238764-T-C.
Other names: c.1198A>G, p.Lys400Glu (NM_001014431.2, NM_001014432.2, NM_001382431.1 and 3 more transcripts); short protein forms K400E.
Identifiers: ClinVar variation 664530 (VCV000664530.17), dbSNP rs773607483, ClinGen allele CA7374529.